The following is an entry in ClinVar:

NM_000492.4(CFTR):c.1052C>T (p.Thr351Ile)

Gene: CFTR (CF transmembrane conductance regulator; plus strand). Cytogenetic location: 7q31.2.
Variant type: single nucleotide variant.
Coding change: c.1052C>T on transcript NM_000492.4 (MANE Select); coding-DNA position 1052, C replaced by T.
Protein change: p.Thr351Ile; replaces threonine 351 with isoleucine.
Molecular consequence: missense variant.
Genome position (GRCh38, 1-based): chr7:117,540,282, C>T. VCF-style: chr7-117540282-C-T. GRCh37 (hg19) VCF-style: chr7-117180336-C-T.
Other names: short protein forms T351I.
Identifiers: ClinVar variation 495885 (VCV000495885.20), dbSNP rs1800086, ClinGen allele CA4450882.
Genomic context (GRCh38, chr7:117,540,282, plus strand): 5'-TCATCCTCCGGAAAATATTCACCACCATCTCATTCTGCATTGTTCTGCGCATGGCGGTCA[C>T]TCGGCAATTTCCCTGGGCTGTACAAACATGGTATGACTCTCTTGGAGCAATAAACAAAAT-3'
Protein context (NP_000483.3, residues 341-361): SFCIVLRMAV[Thr351Ile]RQFPWAVQTW

ClinVar aggregate classification (germline): Conflicting classifications of pathogenicity. Review status: criteria provided, conflicting classifications (1 of 4 stars). 7 submissions from 7 submitters: Likely pathogenic (1); Uncertain significance (5). 1 of the submissions does not count toward it. Last evaluated 2025-11-07.

Conditions:
CFTR-related disorder (CFTR-RD). Also called: CFTR-related disorders; CFTR-related condition. Identifiers: MedGen C5924204, MONDO:7770004.
Cystic fibrosis (CF). Also called: MUCOVISCIDOSIS. Identifiers: Orphanet 586, MedGen C0010674, MONDO:0009061, OMIM 219700. Disease mechanism: loss of function.

Submissions (7):

Ambry Genetics
Classification: Likely pathogenic for Cystic fibrosis. Last evaluated: 2025-11-07. Review status: criteria provided, single submitter. Criteria: Ambry Variant Classification Scheme 2023. Collection method: clinical testing. Allele origin: germline.
Comment: The p.T351I variant (also known as c.1052C>T), located in coding exon 8 of the CFTR gene, results from a C to T substitution at nucleotide position 1052. The threonine at codon 351 is replaced by isoleucine, an amino acid with similar properties. This variant has been identified in the homozygous state and/or in conjunction with other CFTR variant(s) in individual(s) with features consistent with cystic fibrosis (Ambry internal data). This amino acid position is highly conserved in available vertebrate species. In addition, this alteration is predicted to be deleterious by in silico analysis. Based on the majority of available evidence to date, this variant is likely to be pathogenic.

Women's Health and Genetics/Laboratory Corporation of America, LabCorp
Classification: Uncertain significance. Last evaluated: 2025-06-30. Review status: criteria provided, single submitter. Criteria: LabCorp Variant Classification Summary - May 2015. Collection method: clinical testing. Allele origin: germline.
Comment: Variant summary: CFTR c.1052C>T (p.Thr351Ile) results in a non-conservative amino acid change in the encoded protein sequence. Algorithms developed to predict the effect of missense changes on protein structure and function all suggest that this variant is likely to be disruptive. The variant allele was found at a frequency of 1.2e-05 in 251162 control chromosomes. c.1052C>T has been observed in individual(s) with a positive newborn screening result for Cystic Fibrosis (Sadeghi_2025). These report(s) do not provide unequivocal conclusions about association of the variant with Cystic Fibrosis. At least one publication reports experimental evidence evaluating an impact on protein function. The most pronounced variant effect resulted in approximately 32% of normal chloride channel conductance relative to wild type (e.g., Bihler_2024). The following publications have been ascertained in the context of this evaluation (PMID: 38388235, 39532587). ClinVar contains an entry for this variant (Variation ID: 495885). Based on the evidence outlined above, the variant was classified as VUS-possibly pathogenic.

Labcorp Genetics (formerly Invitae), Labcorp
Classification: Uncertain significance for Cystic fibrosis. Last evaluated: 2024-05-06. Review status: criteria provided, single submitter. Criteria: Invitae Variant Classification Sherloc (09022015). Collection method: clinical testing. Allele origin: germline.
Comment: This sequence change replaces threonine, which is neutral and polar, with isoleucine, which is neutral and non-polar, at codon 351 of the CFTR protein (p.Thr351Ile). This variant is present in population databases (rs1800086, gnomAD 0.008%). This variant has not been reported in the literature in individuals affected with CFTR-related conditions. ClinVar contains an entry for this variant (Variation ID: 495885). Advanced modeling of protein sequence and biophysical properties (such as structural, functional, and spatial information, amino acid conservation, physicochemical variation, residue mobility, and thermodynamic stability) performed at Invitae indicates that this missense variant is expected to disrupt CFTR protein function with a positive predictive value of 95%. In summary, the available evidence is currently insufficient to determine the role of this variant in disease. Therefore, it has been classified as a Variant of Uncertain Significance.

Mayo Clinic Laboratories, Mayo Clinic
Classification: Uncertain significance. Last evaluated: 2023-07-14. Review status: criteria provided, single submitter. Criteria: ACMG Guidelines, 2015. Collection method: clinical testing. Allele origin: germline. Observed: 1 variant allele.
Comment: PP3

Genome-Nilou Lab
Classification: Uncertain significance for Cystic fibrosis. Last evaluated: 2021-09-05. Review status: criteria provided, single submitter. Criteria: ACMG Guidelines, 2015. Collection method: clinical testing. Allele origin: germline. Affected: no.

ARUP Laboratories, Molecular Genetics and Genomics, ARUP Laboratories
Classification: Uncertain significance. Last evaluated: 2017-10-10. Review status: criteria provided, single submitter. Criteria: ARUP Molecular Germline Variant Investigation Process. Collection method: clinical testing. Allele origin: germline.

Natera, Inc.
Classification: Uncertain significance for CFTR-related disorders. Last evaluated: 2019-02-06. Review status: no assertion criteria provided. Collection method: clinical testing. Allele origin: germline. Not counted in ClinVar's aggregate classification.

Literature cited by the submitters: PubMed 38388235 (cited by Women's Health and Genetics/Laboratory Corporation of America, LabCorp); PubMed 39532587 (cited by Women's Health and Genetics/Laboratory Corporation of America, LabCorp); PubMed 32734384 (cited by Mayo Clinic Laboratories, Mayo Clinic).